The following is an entry in ClinVar:

NM_000051.4(ATM):c.3399A>C (p.Glu1133Asp)

Gene: ATM (ATM serine/threonine kinase; plus strand). Cytogenetic location: 11q22.3.
Variant type: single nucleotide variant.
Coding change: c.3399A>C on transcript NM_000051.4 (MANE Select); coding-DNA position 3399, A replaced by C.
Protein change: p.Glu1133Asp; replaces glutamic acid 1133 with aspartic acid.
Molecular consequence: missense variant.
Genome position (GRCh38, 1-based): chr11:108,279,605, A>C. VCF-style: chr11-108279605-A-C. GRCh37 (hg19) VCF-style: chr11-108150332-A-C.
Other names: c.3399A>C, p.Glu1133Asp (NM_001351834.2); short protein forms E1133D.
Identifiers: ClinVar variation 481047 (VCV000481047.14), dbSNP rs1555090364, ClinGen allele CA382517870.

ClinVar aggregate classification (germline): Uncertain significance. Review status: criteria provided, multiple submitters, no conflicts (2 of 4 stars). 2 submissions from 2 submitters: Uncertain significance (2). Last evaluated 2024-04-24.

Conditions:
Hereditary cancer-predisposing syndrome. Also called: Hereditary neoplastic syndrome; Neoplastic Syndromes, Hereditary; Tumor predisposition; Hereditary Cancer Syndrome. Identifiers: Orphanet 140162, MedGen C0027672, MeSH D009386, MONDO:0015356.
Ataxia-telangiectasia syndrome (AT). Also called: LOUIS-BAR SYNDROME; Cerebello-oculocutaneous telangiectasia; Immunodeficiency with ataxia telangiectasia; AT, COMPLEMENTATION GROUP C; Ataxia-telangiectasia, complementation group D; ATAXIA-TELANGIECTASIA, COMPLEMENTATION GROUP A. Identifiers: Orphanet 100, MedGen C0004135, MONDO:0008840, OMIM 208900.

Submissions (2):

Labcorp Genetics (formerly Invitae), Labcorp
Classification: Uncertain significance for Ataxia-telangiectasia syndrome. Last evaluated: 2024-04-24. Review status: criteria provided, single submitter. Criteria: Invitae Variant Classification Sherloc (09022015). Collection method: clinical testing. Allele origin: germline.
Comment: This sequence change replaces glutamic acid, which is acidic and polar, with aspartic acid, which is acidic and polar, at codon 1133 of the ATM protein (p.Glu1133Asp). This variant is not present in population databases (gnomAD no frequency). This variant has not been reported in the literature in individuals affected with ATM-related conditions. ClinVar contains an entry for this variant (Variation ID: 481047). Algorithms developed to predict the effect of missense changes on protein structure and function output the following: SIFT: "Not Available"; PolyPhen-2: "Benign"; Align-GVGD: "Not Available". The aspartic acid amino acid residue is found in multiple mammalian species, which suggests that this missense change does not adversely affect protein function. In summary, the available evidence is currently insufficient to determine the role of this variant in disease. Therefore, it has been classified as a Variant of Uncertain Significance.

Ambry Genetics
Classification: Uncertain significance for Hereditary cancer-predisposing syndrome. Last evaluated: 2024-03-14. Review status: criteria provided, single submitter. Criteria: Ambry Variant Classification Scheme 2023. Collection method: clinical testing. Allele origin: germline.
Comment: The p.E1133D variant (also known as c.3399A>C), located in coding exon 22 of the ATM gene, results from an A to C substitution at nucleotide position 3399. The glutamic acid at codon 1133 is replaced by aspartic acid, an amino acid with highly similar properties. This amino acid position is poorly conserved in available vertebrate species. In addition, this alteration is predicted to be tolerated by in silico analysis. Since supporting evidence is limited at this time, the clinical significance of this alteration remains unclear.